The following is an entry in ClinVar:

NM_001354712.2(THRB):c.*4824C>T

Gene: THRB (thyroid hormone receptor beta; minus strand). Cytogenetic location: 3p24.2.
Variant type: single nucleotide variant.
Coding change: c.*4824C>T on transcript NM_001354712.2 (MANE Select); 4824 bases downstream of the stop codon, C replaced by T.
Molecular consequence: 3 prime UTR variant.
Genome position (GRCh38, 1-based): chr3:24,118,060, G>A on the plus strand (C>T on the coding strand, the complement: THRB is on the minus strand). VCF-style: chr3-24118060-G-A. GRCh37 (hg19) VCF-style: chr3-24159551-G-A.
Other names: c.*4824C>T (NM_000461.5, NM_001128176.3, NM_001128177.2 and 8 more transcripts).
Identifiers: ClinVar variation 344550 (VCV000344550.5), dbSNP rs534066448, ClinGen allele CA10616005.
Genomic context (GRCh38, chr3:24,118,060, plus strand): 5'-AGGTAACCCCCCATCAGCATTTTACTTAGTTTCTTCTCTCCCTCCATAGTTTCTTCTCAA[G>A]TAAATTTGCTTATTCTAGTAGATGTTTATTTATGAAATAAATGTCCTTACATCCGTGGTT-3'

ClinVar aggregate classification (germline): Benign (1 of 4 stars; one submission).

Conditions:
Thyroid hormone resistance, generalized, autosomal dominant (GRTHD). Also called: HYPERTHYROXINEMIA, FAMILIAL EUTHYROID, SECONDARY TO PITUITARY AND PERIPHERAL RESISTANCE TO THYROID HORMONES. Identifiers: MedGen C2937288, MONDO:0008569, OMIM 188570.

Allele frequency attached by ClinVar (database versions not stated): gnomAD 0.00001 and 0.00024; TOPMed 0.00005; 1000 Genomes Project 30x 0.00187; 1000 Genomes Project 0.00240.

Submission:

Illumina Laboratory Services, Illumina
Classification: Benign for Thyroid hormone resistance, generalized, autosomal dominant. Last evaluated: 2018-01-13. Review status: criteria provided, single submitter. Criteria: ICSL Variant Classification Criteria 13 December 2019. Collection method: clinical testing. Allele origin: germline.
Comment: This variant was observed in the ICSL laboratory as part of a predisposition screen in an ostensibly healthy population. It had not been previously curated by ICSL or reported in the Human Gene Mutation Database (HGMD: prior to June 1st, 2018), and was therefore a candidate for classification through an automated scoring system. Utilizing variant allele frequency, disease prevalence and penetrance estimates, and inheritance mode, an automated score was calculated to assess if this variant is too frequent to cause the disease. Based on the score and internal cut-off values, a variant classified as benign is not then subjected to further curation. The score for this variant resulted in a classification of benign for this disease.